The following is an entry in ClinVar:

NM_005505.5(SCARB1):c.1198A>G (p.Ile400Val)

Genes: SCARB1 (scavenger receptor class B member 1; minus strand), LOC129390586 (MPRA-validated peak2031 silencer; plus strand). Cytogenetic location: 12q24.31.
Variant type: single nucleotide variant.
Coding change: c.1198A>G on transcript NM_005505.5 (MANE Select); coding-DNA position 1198, A replaced by G.
Protein change: p.Ile400Val; replaces isoleucine 400 with valine.
Molecular consequence: missense variant. On other transcripts: non-coding transcript variant (6), intron variant (1).
Genome position (GRCh38, 1-based): chr12:124,795,199, T>C on the plus strand (A>G on the coding strand, the complement: SCARB1 is on the minus strand). VCF-style: chr12-124795199-T-C. GRCh37 (hg19) VCF-style: chr12-125279745-T-C.
Other names: c.1198A>G (NM_005505.4); c.1198A>G, p.Ile400Val (NM_001082959.2, NM_001367981.1, NM_001367983.1 and 3 more transcripts); c.1075A>G, p.Ile359Val (NM_001367982.1); c.1174A>G, p.Ile392Val (NM_001367985.1); c.796A>G, p.Ile266Val (NM_001367988.1); c.1005-7742A>G (NM_001367987.1); short protein forms I359V, I266V, I392V, I400V.
Identifiers: ClinVar variation 2740755 (VCV002740755.4), dbSNP rs751100225, ClinGen allele CA6870298.

ClinVar aggregate classification (germline): Uncertain significance. Review status: criteria provided, multiple submitters, no conflicts (2 of 4 stars). 2 submissions from 2 submitters: Uncertain significance (2). Last evaluated 2024-12-17.

Allele frequency attached by ClinVar (database versions not stated): ExAC 0.00002; gnomAD 0.00003; TOPMed 0.00003; gnomAD exomes 0.00005.
gnomAD v4.1: 71 of 1,613,260 alleles (0.0044%); highest among the groups gnomAD compares: Non-Finnish European, 0.0059%; no homozygotes.

Submissions (2):

Ambry Genetics
Classification: Uncertain significance. Last evaluated: 2024-12-17. Review status: criteria provided, single submitter. Criteria: Ambry Variant Classification Scheme 2023. Collection method: clinical testing. Allele origin: germline.

Labcorp Genetics (formerly Invitae), Labcorp
Classification: Uncertain significance. Last evaluated: 2024-12-02. Review status: criteria provided, single submitter. Criteria: Invitae Variant Classification Sherloc (09022015). Collection method: clinical testing. Allele origin: germline.
Comment: This sequence change replaces isoleucine, which is neutral and non-polar, with valine, which is neutral and non-polar, at codon 400 of the SCARB1 protein (p.Ile400Val). The frequency data for this variant in the population databases is considered unreliable, as metrics indicate poor data quality at this position in the gnomAD database. This variant has not been reported in the literature in individuals affected with SCARB1-related conditions. ClinVar contains an entry for this variant (Variation ID: 2740755). Invitae Evidence Modeling of protein sequence and biophysical properties (such as structural, functional, and spatial information, amino acid conservation, physicochemical variation, residue mobility, and thermodynamic stability) indicates that this missense variant is not expected to disrupt SCARB1 protein function with a negative predictive value of 80%. In summary, the available evidence is currently insufficient to determine the role of this variant in disease. Therefore, it has been classified as a Variant of Uncertain Significance.